The following is an entry in ClinVar:

NM_016580.4(PCDH12):c.3146G>A (p.Arg1049Gln)

Gene: PCDH12 (protocadherin 12; minus strand). Cytogenetic location: 5q31.3.
Variant type: single nucleotide variant.
Coding change: c.3146G>A on transcript NM_016580.4 (MANE Select); coding-DNA position 3146, G replaced by A.
Protein change: p.Arg1049Gln; replaces arginine 1049 with glutamine.
Molecular consequence: missense variant.
Genome position (GRCh38, 1-based): chr5:141,945,790, C>T on the plus strand (G>A on the coding strand, the complement: PCDH12 is on the minus strand). VCF-style: chr5-141945790-C-T. GRCh37 (hg19) VCF-style: chr5-141325355-C-T.
Other names: short protein forms R1049Q.
Identifiers: ClinVar variation 1030565 (VCV001030565.6), dbSNP rs767329852, ClinGen allele CA3484042.

ClinVar aggregate classification (germline): Uncertain significance. Review status: criteria provided, multiple submitters, no conflicts (2 of 4 stars). 2 submissions from 2 submitters: Uncertain significance (2). Last evaluated 2022-07-17.

Conditions:
Diencephalic-mesencephalic junction dysplasia syndrome 1 (DMJDS1). Also called: Microcephaly with spastic quadriplegia. Identifiers: MedGen C4538630, MONDO:0009625, OMIM 251280.

Allele frequency attached by ClinVar (database versions not stated): TOPMed 0.00002.
gnomAD v4.1: 7 of 1,612,156 alleles (0.00043%); highest among the groups gnomAD compares: Middle Eastern, 0.018%; no homozygotes.

Submissions (2):

Labcorp Genetics (formerly Invitae), Labcorp
Classification: Uncertain significance. Last evaluated: 2022-07-17. Review status: criteria provided, single submitter. Criteria: Invitae Variant Classification Sherloc (09022015). Collection method: clinical testing. Allele origin: germline.
Comment: This sequence change replaces arginine, which is basic and polar, with glutamine, which is neutral and polar, at codon 1049 of the PCDH12 protein (p.Arg1049Gln). This variant is present in population databases (rs767329852, gnomAD 0.003%). This variant has not been reported in the literature in individuals affected with PCDH12-related conditions. ClinVar contains an entry for this variant (Variation ID: 1030565). Advanced modeling of protein sequence and biophysical properties (such as structural, functional, and spatial information, amino acid conservation, physicochemical variation, residue mobility, and thermodynamic stability) performed at Invitae indicates that this missense variant is not expected to disrupt PCDH12 protein function. In summary, the available evidence is currently insufficient to determine the role of this variant in disease. Therefore, it has been classified as a Variant of Uncertain Significance.

Baylor Genetics
Classification: Uncertain significance for Diencephalic-mesencephalic junction dysplasia syndrome 1. Last evaluated: 2020-05-05. Review status: criteria provided, single submitter. Criteria: ACMG Guidelines, 2015. Collection method: clinical testing. Allele origin: unknown. Affected: yes.
Comment: This variant was determined to be of uncertain significance according to ACMG Guidelines, 2015 [PMID:25741868].